The following is an entry in ClinVar:

ClinVar aggregate classification (germline): Uncertain significance (1 of 4 stars; one submission).

Conditions:
Early-infantile DEE. Also called: Early infantile epileptic encephalopathy with suppression bursts; Ohtahara syndrome; Early infantile epileptic encephalopathy. Identifiers: Orphanet 1934, MedGen C0393706, MONDO:0800491.

Submission:

Labcorp Genetics (formerly Invitae), Labcorp
Classification: Uncertain significance for Early-infantile DEE. Last evaluated: 2023-11-27. Review status: criteria provided, single submitter. Criteria: Invitae Variant Classification Sherloc (09022015). Collection method: clinical testing. Allele origin: germline.
Comment: This sequence change replaces isoleucine, which is neutral and non-polar, with leucine, which is neutral and non-polar, at codon 1448 of the SCN8A protein (p.Ile1448Leu). This variant is not present in population databases (gnomAD no frequency). This variant has not been reported in the literature in individuals affected with SCN8A-related conditions. ClinVar contains an entry for this variant (Variation ID: 1348865). Advanced modeling of protein sequence and biophysical properties (such as structural, functional, and spatial information, amino acid conservation, physicochemical variation, residue mobility, and thermodynamic stability) performed at Invitae indicates that this missense variant is expected to disrupt SCN8A protein function with a positive predictive value of 95%. In summary, the available evidence is currently insufficient to determine the role of this variant in disease. Therefore, it has been classified as a Variant of Uncertain Significance.

NM_001330260.2(SCN8A):c.4342A>C (p.Ile1448Leu)

Gene: SCN8A (sodium voltage-gated channel alpha subunit 8; plus strand). Cytogenetic location: 12q13.13.
Variant type: single nucleotide variant.
Coding change: c.4342A>C on transcript NM_001330260.2 (MANE Select); coding-DNA position 4342, A replaced by C.
Protein change: p.Ile1448Leu; replaces isoleucine 1448 with leucine.
Molecular consequence: missense variant.
Genome position (GRCh38, 1-based): chr12:51,789,341, A>C. VCF-style: chr12-51789341-A-C. GRCh37 (hg19) VCF-style: chr12-52183125-A-C.
Other names: c.4219A>C, p.Ile1407Leu (NM_001177984.3, NM_001369788.1); c.4342A>C, p.Ile1448Leu (NM_014191.4); short protein forms I1448L, I1407L.
Identifiers: ClinVar variation 1348865 (VCV001348865.7), dbSNP rs1938178108, ClinGen allele CA384908310.